The following is an entry in ClinVar:

ClinVar aggregate classification (germline): Uncertain significance. Review status: criteria provided, multiple submitters, no conflicts (2 of 4 stars). 2 submissions from 2 submitters: Uncertain significance (2). Last evaluated 2025-02-13.

Conditions:
Insulin-dependent diabetes mellitus secretory diarrhea syndrome (IPEX). Also called: X-Linked Autoimmunity-Allergic Dysregulation Syndrome; IPEX and IPEX-Like; Immunodeficiency, Polyendocrinopathy, and Enteropathy X-Linked Syndrome; X-Linked Syndrome of Polyendocrinopathy, Immune Dysfunction, and Diarrhea; ENTEROPATHY, AUTOIMMUNE, WITH HEMOLYTIC ANEMIA AND POLYENDOCRINOPATHY; Immunodysregulation, polyendocrinopathy, and enteropathy, X-linked. Identifiers: Orphanet 37042, MedGen C0342288, MONDO:0010580, OMIM 304790. Disease mechanism: loss of function.

Submissions (2):

Labcorp Genetics (formerly Invitae), Labcorp
Classification: Uncertain significance for Insulin-dependent diabetes mellitus secretory diarrhea syndrome. Last evaluated: 2025-02-13. Review status: criteria provided, single submitter. Criteria: Invitae Variant Classification Sherloc (09022015). Collection method: clinical testing. Allele origin: germline.
Comment: This sequence change replaces phenylalanine, which is neutral and non-polar, with tyrosine, which is neutral and polar, at codon 333 of the FOXP3 protein (p.Phe333Tyr). This variant is not present in population databases (gnomAD no frequency). This variant has not been reported in the literature in individuals affected with FOXP3-related conditions. ClinVar contains an entry for this variant (Variation ID: 1056681). Invitae Evidence Modeling of protein sequence and biophysical properties (such as structural, functional, and spatial information, amino acid conservation, physicochemical variation, residue mobility, and thermodynamic stability) indicates that this missense variant is not expected to disrupt FOXP3 protein function with a negative predictive value of 80%. In summary, the available evidence is currently insufficient to determine the role of this variant in disease. Therefore, it has been classified as a Variant of Uncertain Significance.

Blueprint Genetics
Classification: Uncertain significance. Last evaluated: 2022-04-19. Review status: criteria provided, single submitter. Criteria: ACMG Guidelines, 2015. Collection method: clinical testing. Allele origin: germline.

NM_014009.4(FOXP3):c.998T>A (p.Phe333Tyr)

Gene: FOXP3 (forkhead box P3; minus strand). Cytogenetic location: Xp11.23.
Variant type: single nucleotide variant.
Coding change: c.998T>A on transcript NM_014009.4 (MANE Select); coding-DNA position 998, T replaced by A.
Protein change: p.Phe333Tyr; replaces phenylalanine 333 with tyrosine.
Molecular consequence: missense variant.
Genome position (GRCh38, 1-based): chrX:49,253,172, A>T on the plus strand (T>A on the coding strand, the complement: FOXP3 is on the minus strand). VCF-style: chrX-49253172-A-T. GRCh37 (hg19) VCF-style: chrX-49109633-A-T.
Other names: c.893T>A, p.Phe298Tyr (NM_001114377.2); short protein forms F298Y, F333Y.
Identifiers: ClinVar variation 1056681 (VCV001056681.8), dbSNP rs2147945481, ClinGen allele CA412950274.